The following is an entry in ClinVar:

ClinVar aggregate classification (germline): Conflicting classifications of pathogenicity. Review status: criteria provided, conflicting classifications (1 of 4 stars). 2 submissions from 2 submitters: Likely pathogenic (1); Uncertain significance (1). Last evaluated 2026-03-30.

Conditions:
X-linked Alport syndrome (ATS1). Also called: NEPHROPATHY AND DEAFNESS, X-LINKED; COL4A5-Related Nephropathy. Identifiers: Orphanet 63, Orphanet 88917, MedGen C4746986, MONDO:0010520, OMIM 301050.
Inborn genetic diseases. Identifiers: MedGen C0950123, MeSH D030342.

gnomAD v4.1: 2 of 1,211,549 alleles (0.00017%); no homozygotes.

Submissions (2):

Women's Health and Genetics/Laboratory Corporation of America, LabCorp
Classification: Likely pathogenic for X-linked Alport syndrome. Last evaluated: 2026-03-30. Review status: criteria provided, single submitter. Criteria: LabCorp Variant Classification Summary - May 2015. Collection method: clinical testing. Allele origin: germline.
Comment: Variant summary: COL4A5 c.2296G>A (p.Gly766Ser) results in a non-conservative amino acid change in the encoded protein sequence. Algorithms developed to predict the effect of missense changes on protein structure and function all suggest that this variant is likely to be disruptive. This variant disrupts the triple helix domain of COL4A5. Glycine residues within the Gly-Xaa-Yaa repeats of the triple helix domain are required for the structure and stability of fibrillar collagens (PMID: 7695699, 8218237, 19344236). The variant was absent in 183184 control chromosomes. To our knowledge, no occurrence of c.2296G>A in individuals affected with COL4A5-related conditions and no experimental evidence demonstrating its impact on protein function have been reported. ClinVar contains an entry for this variant (Variation ID: 4232308). Based on the evidence outlined above, the variant was classified as likely pathogenic.

Ambry Genetics
Classification: Uncertain significance for Inborn genetic diseases. Last evaluated: 2025-07-15. Review status: criteria provided, single submitter. Criteria: Ambry Variant Classification Scheme 2023. Collection method: clinical testing. Allele origin: germline.

NM_033380.3(COL4A5):c.2296G>A (p.Gly766Ser)

Gene: COL4A5 (collagen type IV alpha 5 chain; plus strand). Cytogenetic location: Xq22.3.
Variant type: single nucleotide variant.
Coding change: c.2296G>A on transcript NM_033380.3 (MANE Select); coding-DNA position 2296, G replaced by A.
Protein change: p.Gly766Ser; replaces glycine 766 with serine.
Molecular consequence: missense variant.
Genome position (GRCh38, 1-based): chrX:108,606,793, G>A. VCF-style: chrX-108606793-G-A. GRCh37 (hg19) VCF-style: chrX-107850023-G-A.
Other names: c.2296G>A, p.Gly766Ser (NM_000495.5); short protein forms G766S.
Identifiers: ClinVar variation 4232308 (VCV004232308.2).